The following is an entry in ClinVar:

ClinVar aggregate classification (germline): Benign/Likely benign. Review status: criteria provided, multiple submitters, no conflicts (2 of 4 stars). 5 submissions from 5 submitters: Benign (1); Likely benign (4). Last evaluated 2025-09-29.

Conditions:
Familial cancer of breast. Also called: BREAST CANCER, FAMILIAL; Hereditary breast cancer; hereditary breast carcinoma. Identifiers: Orphanet 227535, MedGen C0346153, MONDO:0016419, OMIM 114480. Disease mechanism: loss of function.
Hereditary cancer-predisposing syndrome. Also called: Neoplastic Syndromes, Hereditary; Tumor predisposition; Hereditary Cancer Syndrome; Hereditary neoplastic syndrome. Identifiers: Orphanet 140162, MedGen C0027672, MeSH D009386, MONDO:0015356.

Submissions (5):

Labcorp Genetics (formerly Invitae), Labcorp
Classification: Likely benign for Familial cancer of breast. Last evaluated: 2025-09-29. Review status: criteria provided, single submitter. Criteria: Invitae Variant Classification Sherloc (09022015). Collection method: clinical testing. Allele origin: germline.

Color Diagnostics, LLC DBA Color Health
Classification: Likely benign for Hereditary cancer-predisposing syndrome. Last evaluated: 2024-12-16. Review status: criteria provided, single submitter. Criteria: ACMG Guidelines, 2015. Collection method: clinical testing. Allele origin: germline.

Myriad Genetics, Inc.
Classification: Benign for Familial cancer of breast. Last evaluated: 2024-07-22. Review status: criteria provided, single submitter. Criteria: Myriad Autosomal Dominant, Autosomal Recessive and X-Linked Classification Criteria (2023). Collection method: clinical testing. Allele origin: unknown.
Comment: This variant is considered benign. This variant is a silent/synonymous amino acid change and it is not expected to impact splicing.

GeneDx
Classification: Likely benign. Last evaluated: 2016-09-23. Review status: criteria provided, single submitter. Criteria: GeneDx Variant Classification (06012015). Collection method: clinical testing. Allele origin: germline. Affected: yes.
Comment: This variant is considered likely benign or benign based on one or more of the following criteria: it is a conservative change, it occurs at a poorly conserved position in the protein, it is predicted to be benign by multiple in silico algorithms, and/or has population frequency not consistent with disease.

Ambry Genetics
Classification: Likely benign for Hereditary cancer-predisposing syndrome. Last evaluated: 2014-10-08. Review status: criteria provided, single submitter. Criteria: Ambry Variant Classification Scheme 2023. Collection method: clinical testing. Allele origin: germline.

NM_000465.4(BARD1):c.537A>T (p.Ser179=)

Gene: BARD1 (BRCA1 associated RING domain 1; minus strand). Cytogenetic location: 2q35.
Variant type: single nucleotide variant.
Coding change: c.537A>T on transcript NM_000465.4 (MANE Select); coding-DNA position 537, A replaced by T.
Protein change: p.Ser179=; no amino-acid change (serine 179 retained).
Molecular consequence: synonymous variant. On other transcripts: non-coding transcript variant (2), intron variant (3).
Genome position (GRCh38, 1-based): chr2:214,781,337, T>A on the plus strand (A>T on the coding strand, the complement: BARD1 is on the minus strand). VCF-style: chr2-214781337-T-A. GRCh37 (hg19) VCF-style: chr2-215646061-T-A.
Other names: c.480A>T, p.Ser160= (NM_001282543.2); c.158+28075A>T (NM_001282548.2); c.215+15724A>T (NM_001282545.2); c.364+10960A>T (NM_001282549.2).
Identifiers: ClinVar variation 186447 (VCV000186447.19), dbSNP rs786202959, ClinGen allele CA194834.